The following is an entry in ClinVar:

ClinVar aggregate classification (germline): Benign/Likely benign. Review status: criteria provided, multiple submitters, no conflicts (2 of 4 stars). 6 submissions from 6 submitters: Benign (4); Likely benign (2). Last evaluated 2026-03-30.

Conditions:
Vesicoureteral reflux 8 (VUR8). Identifiers: Orphanet 289365, MedGen C4014831, MONDO:0014422, OMIM 615963.
Ehlers-Danlos syndrome due to tenascin-X deficiency (EDSCLL1). Also called: EDS DUE TO TNX DEFICIENCY; TNXB-Related Classical-Like Ehlers-Danlos Syndrome; TNX DEFICIENCY; EHLERS-DANLOS SYNDROME, CLASSIC-LIKE; Ehlers-Danlos syndrome, classic-like, 1. Identifiers: Orphanet 230839, MedGen C1848029, MONDO:0011670, OMIM 606408.
Cardiovascular phenotype. Identifiers: MedGen CN230736.

Allele frequency attached by ClinVar (database versions not stated): gnomAD 0.00016 and 0.00072; TOPMed 0.00031; gnomAD exomes 0.00130 and 0.00218; ExAC 0.00305; 1000 Genomes Project 0.00379; 1000 Genomes Project 30x 0.00437.
gnomAD v4.1: 2,021 of 1,613,412 alleles (0.13%); highest among the groups gnomAD compares: South Asian, 2%; 41 homozygotes.

Submissions (6):

Women's Health and Genetics/Laboratory Corporation of America, LabCorp
Classification: Benign. Last evaluated: 2026-03-30. Review status: criteria provided, single submitter. Criteria: LabCorp Variant Classification Summary - May 2015. Collection method: clinical testing. Allele origin: germline.

Labcorp Genetics (formerly Invitae), Labcorp
Classification: Benign. Last evaluated: 2026-01-28. Review status: criteria provided, single submitter. Criteria: Invitae Variant Classification Sherloc (09022015). Collection method: clinical testing. Allele origin: germline.

Mayo Clinic Laboratories, Mayo Clinic
Classification: Benign. Last evaluated: 2025-05-22. Review status: criteria provided, single submitter. Criteria: ACMG Guidelines, 2015. Collection method: clinical testing. Allele origin: germline. Observed: 1 variant allele.
Comment: BS1, BS2, BP4, BP7

GeneDx
Classification: Likely benign. Last evaluated: 2021-12-30. Review status: criteria provided, single submitter. Criteria: GeneDx Variant Classification Process June 2021. Collection method: clinical testing. Allele origin: germline. Affected: yes.

Fulgent Genetics
Classification: Likely benign for Ehlers-Danlos syndrome due to tenascin-X deficiency; Vesicoureteral reflux 8. Last evaluated: 2021-07-19. Review status: criteria provided, single submitter. Criteria: ACMG Guidelines, 2015. Collection method: clinical testing. Allele origin: unknown.

Ambry Genetics
Classification: Benign for Cardiovascular phenotype. Last evaluated: 2019-06-27. Review status: criteria provided, single submitter. Criteria: Ambry Variant Classification Scheme 2023. Collection method: clinical testing. Allele origin: germline.

NM_001365276.2(TNXB):c.7413T>C (p.Pro2471=)

Gene: TNXB (tenascin XB; minus strand). Cytogenetic location: 6p21.33.
Variant type: single nucleotide variant.
Coding change: c.7413T>C on transcript NM_001365276.2 (MANE Select); coding-DNA position 7413, T replaced by C.
Protein change: p.Pro2471=; no amino-acid change (proline 2471 retained).
Molecular consequence: synonymous variant.
Genome position (GRCh38, 1-based): chr6:32,061,476, A>G on the plus strand (T>C on the coding strand, the complement: TNXB is on the minus strand). VCF-style: chr6-32061476-A-G. GRCh37 (hg19) VCF-style: chr6-32029253-A-G.
Other names: p.Pro2471=; c.7413T>C, p.Pro2471= (NM_019105.8).
Identifiers: ClinVar variation 1189567 (VCV001189567.10), dbSNP rs375764263, ClinGen allele CA3734163.